The following is an entry in ClinVar:

ClinVar aggregate classification (germline): Benign. Review status: criteria provided, multiple submitters, no conflicts (2 of 4 stars). 8 submissions from 8 submitters: Benign (8). Last evaluated 2026-02-01.

Conditions:
Autosomal dominant nonsyndromic hearing loss 4A. Also called: Deafness, autosomal dominant 4A. Identifiers: Orphanet 90635, MedGen C1833503, MONDO:0010915, OMIM 600652.

Allele frequency attached by ClinVar (database versions not stated): 1000 Genomes Project 0.01378; 1000 Genomes Project 30x 0.01421; gnomAD 0.02809; gnomAD exomes 0.02858 and 0.04183; ExAC 0.02903; TOPMed 0.02949; ESP Exome Variant Server 0.03004.
gnomAD v4.1: 65,248 of 1,613,974 alleles (4%); highest among the groups gnomAD compares: Non-Finnish European, 4.8%; 1,582 homozygotes.

Submissions (8):

Labcorp Genetics (formerly Invitae), Labcorp
Classification: Benign. Last evaluated: 2026-02-01. Review status: criteria provided, single submitter. Criteria: Invitae Variant Classification Sherloc (09022015). Collection method: clinical testing. Allele origin: germline.

Mayo Clinic Laboratories, Mayo Clinic
Classification: Benign. Last evaluated: 2020-10-05. Review status: criteria provided, single submitter. Criteria: ACMG Guidelines, 2015. Collection method: clinical testing. Allele origin: germline. Observed: 120 variant alleles.

Athena Diagnostics
Classification: Benign. Last evaluated: 2018-09-20. Review status: criteria provided, single submitter. Criteria: Athena Diagnostics Criteria. Collection method: clinical testing. Allele origin: germline.

Illumina Laboratory Services, Illumina
Classification: Benign for Autosomal dominant nonsyndromic hearing loss 4A. Last evaluated: 2018-01-13. Review status: criteria provided, single submitter. Criteria: ICSL Variant Classification Criteria 13 December 2019. Collection method: clinical testing. Allele origin: germline.
Comment: This variant was observed in the ICSL laboratory as part of a predisposition screen in an ostensibly healthy population. It had not been previously curated by ICSL or reported in the Human Gene Mutation Database (HGMD: prior to June 1st, 2018), and was therefore a candidate for classification through an automated scoring system. Utilizing variant allele frequency, disease prevalence and penetrance estimates, and inheritance mode, an automated score was calculated to assess if this variant is too frequent to cause the disease. Based on the score and internal cut-off values, a variant classified as benign is not then subjected to further curation. The score for this variant resulted in a classification of benign for this disease.

GeneDx
Classification: Benign. Last evaluated: 2017-12-06. Review status: criteria provided, single submitter. Criteria: GeneDx Variant Classification (06012015). Collection method: clinical testing. Allele origin: germline. Affected: yes.
Comment: This variant is considered likely benign or benign based on one or more of the following criteria: it is a conservative change, it occurs at a poorly conserved position in the protein, it is predicted to be benign by multiple in silico algorithms, and/or has population frequency not consistent with disease.

Laboratory for Molecular Medicine, Mass General Brigham Personalized Medicine
Classification: Benign. Last evaluated: 2012-05-07. Review status: criteria provided, single submitter. Criteria: LMM Criteria. Collection method: clinical testing. Allele origin: germline. Observed: 103 variant alleles.
Comment: "Ile158Ile in Exon 03 of MYH14: This variant is not expected to have clinical si gnificance because it does not alter an amino acid residue, is not located withi n the splice consensus sequence, and has been identified in 4.1% (286/6980) of E uropean American chromosomes from a broad population by the NHLBI Exome Sequenci ng Project (dbSNP rs34796700)."

Breakthrough Genomics
Classification: Benign. Review status: criteria provided, single submitter. Criteria: ACMG Guidelines, 2015. Collection method: not provided. Allele origin: germline. Inheritance: Autosomal dominant inheritance. Affected: yes.

PreventionGenetics, part of Exact Sciences
Classification: Benign. Review status: criteria provided, single submitter. Criteria: ACMG Guidelines, 2015. Collection method: clinical testing. Allele origin: germline.

NM_001145809.2(MYH14):c.474T>C (p.Ile158=)

Gene: MYH14 (myosin heavy chain 14; plus strand). Cytogenetic location: 19q13.33.
Variant type: single nucleotide variant.
Coding change: c.474T>C on transcript NM_001145809.2 (MANE Select); coding-DNA position 474, T replaced by C.
Protein change: p.Ile158=; no amino-acid change (isoleucine 158 retained).
Molecular consequence: synonymous variant.
Genome position (GRCh38, 1-based): chr19:50,217,683, T>C. VCF-style: chr19-50217683-T-C. GRCh37 (hg19) VCF-style: chr19-50720940-T-C.
Other names: p.Ile158=; c.474T>C, p.Ile158= (NM_001077186.2, NM_024729.4).
Identifiers: ClinVar variation 44071 (VCV000044071.19), dbSNP rs34796700, ClinGen allele CA133501.
Genomic context (GRCh38, chr19:50,217,683, plus strand): 5'-CGGCCTTTTCTGTGTGGTCATCAACCCGTACAAGCAGCTTCCCATCTACACAGAAGCCAT[T>C]GTGGAGATGTACCGGGGCAAGAAGCGCCACGAGGTGCCACCCCACGTGTACGCAGTGACC-3'
Protein context (NP_001139281.1, residues 148-168): YKQLPIYTEA[Ile158=]VEMYRGKKRH